The following is an entry in ClinVar:

ClinVar aggregate classification (germline): Uncertain significance (1 of 4 stars; one submission).

Submission:

Labcorp Genetics (formerly Invitae), Labcorp
Classification: Uncertain significance. Last evaluated: 2025-11-15. Review status: criteria provided, single submitter. Criteria: Invitae Variant Classification Sherloc (09022015). Collection method: clinical testing. Allele origin: germline.
Comment: This sequence change replaces valine, which is neutral and non-polar, with alanine, which is neutral and non-polar, at codon 314 of the DDX41 protein (p.Val314Ala). This variant is not present in population databases (gnomAD no frequency). This variant has not been reported in the literature in individuals affected with DDX41-related conditions. An algorithm developed to predict the effect of missense changes on protein structure and function (PolyPhen-2) suggests that this variant is likely to be disruptive. In summary, the available evidence is currently insufficient to determine the role of this variant in disease. Therefore, it has been classified as a Variant of Uncertain Significance.

NM_016222.4(DDX41):c.941T>C (p.Val314Ala)

Gene: DDX41 (DEAD-box helicase 41; minus strand). Cytogenetic location: 5q35.3.
Variant type: single nucleotide variant.
Coding change: c.941T>C on transcript NM_016222.4 (MANE Select); coding-DNA position 941, T replaced by C.
Protein change: p.Val314Ala; replaces valine 314 with alanine.
Molecular consequence: missense variant.
Genome position (GRCh38, 1-based): chr5:177,513,842, A>G on the plus strand (T>C on the coding strand, the complement: DDX41 is on the minus strand). VCF-style: chr5-177513842-A-G. GRCh37 (hg19) VCF-style: chr5-176940843-A-G.
Other names: c.563T>C, p.Val188Ala (NM_001321732.2, NM_001321830.2); short protein forms V188A, V314A.
Identifiers: ClinVar variation 4731241 (VCV004731241.1).